The following is an entry in ClinVar:

NM_014639.4(SKIC3):c.2964_2967del (p.Gly987_Tyr988insTer)

Gene: SKIC3 (SKI3 subunit of superkiller complex; minus strand). Cytogenetic location: 5q15.
Variant type: Deletion.
Coding change: c.2964_2967del on transcript NM_014639.4 (MANE Select); coding-DNA positions 2964 to 2967, 4 bases deleted (CTTA; older notation c.2964_2967delCTTA).
Protein change: p.Gly987_Tyr988insTer.
Molecular consequence: nonsense.
Genome position (GRCh38, 1-based): chr5:95,509,641-95,509,644, TAAG deleted on the plus strand (CTTA on the coding strand, the reverse complement: SKIC3 is on the minus strand); deleting any 4 consecutive bases within chr5:95,509,641-95,509,647 gives the same sequence; the c. name uses the placement nearest the transcript's 3' end. VCF-style (leftmost placement, unchanged base first): chr5-95509640-TTAAG-T. GRCh37 (hg19) VCF-style: chr5-94845344-TTAAG-T.
Identifiers: ClinVar variation 2725243 (VCV002725243.3), dbSNP rs2530739865, ClinGen allele CA2697546347.

ClinVar aggregate classification (germline): Pathogenic (1 of 4 stars; one submission).

Submission:

Labcorp Genetics (formerly Invitae), Labcorp
Classification: Pathogenic. Last evaluated: 2023-06-23. Review status: criteria provided, single submitter. Criteria: Invitae Variant Classification Sherloc (09022015). Collection method: clinical testing. Allele origin: germline.
Comment: This sequence change creates a premature translational stop signal (p.Tyr988*) in the TTC37 gene. It is expected to result in an absent or disrupted protein product. Loss-of-function variants in TTC37 are known to be pathogenic (PMID: 20176027, 21120949). This variant is not present in population databases (gnomAD no frequency). This variant has not been reported in the literature in individuals affected with TTC37-related conditions. For these reasons, this variant has been classified as Pathogenic.

Literature cited by the submitters: PubMed 20176027; PubMed 21120949.